The following is an entry in ClinVar:

ClinVar aggregate classification (germline): Uncertain significance. Review status: criteria provided, multiple submitters, no conflicts (2 of 4 stars). 4 submissions from 4 submitters: Uncertain significance (3). 1 of the submissions does not count toward it. Last evaluated 2024-10-21.

Conditions:
Hereditary cancer-predisposing syndrome. Also called: Hereditary neoplastic syndrome; Hereditary Cancer Syndrome; Neoplastic Syndromes, Hereditary; Tumor predisposition. Identifiers: Orphanet 140162, MedGen C0027672, MeSH D009386, MONDO:0015356.
Fumarase deficiency (FMRD). Also called: Fumaric aciduria; Fumarate Hydratase Deficiency. Identifiers: Orphanet 24, MedGen C0342770, MONDO:0011730, OMIM 606812.

Allele frequency attached by ClinVar (database versions not stated): gnomAD exomes below 0.00001.
gnomAD v4.1: 4 of 1,613,940 alleles (0.00025%); highest among the groups gnomAD compares: Non-Finnish European, 0.00034%; no homozygotes.

Submissions (4):

Labcorp Genetics (formerly Invitae), Labcorp
Classification: Uncertain significance. Last evaluated: 2024-10-21. Review status: criteria provided, single submitter. Criteria: Invitae Variant Classification Sherloc (09022015). Collection method: clinical testing. Allele origin: germline.
Comment: This sequence change replaces isoleucine, which is neutral and non-polar, with valine, which is neutral and non-polar, at codon 231 of the FH protein (p.Ile231Val). This variant is not present in population databases (gnomAD no frequency). This variant has not been reported in the literature in individuals affected with FH-related conditions. ClinVar contains an entry for this variant (Variation ID: 938984). Invitae Evidence Modeling of protein sequence and biophysical properties (such as structural, functional, and spatial information, amino acid conservation, physicochemical variation, residue mobility, and thermodynamic stability) has been performed for this missense variant. However, the output from this modeling did not meet the statistical confidence thresholds required to predict the impact of this variant on FH protein function. RNA analysis performed to evaluate the impact of this missense change on mRNA splicing indicates it does not significantly alter splicing (internal data). In summary, the available evidence is currently insufficient to determine the role of this variant in disease. Therefore, it has been classified as a Variant of Uncertain Significance.

Ambry Genetics
Classification: Uncertain significance for Hereditary cancer-predisposing syndrome. Last evaluated: 2024-07-25. Review status: criteria provided, single submitter. Criteria: Ambry Variant Classification Scheme 2023. Collection method: clinical testing. Allele origin: germline.
Comment: The p.I231V variant (also known as c.691A>G), located in coding exon 5 of the FH gene, results from an A to G substitution at nucleotide position 691. The isoleucine at codon 231 is replaced by valine, an amino acid with highly similar properties. This amino acid position is highly conserved in available vertebrate species. In addition, the in silico prediction for this alteration is inconclusive. Based on the available evidence, the clinical significance of this variant remains unclear.

Blueprint Genetics
Classification: Uncertain significance. Last evaluated: 2024-07-22. Review status: criteria provided, single submitter. Criteria: ACMG Guidelines, 2015. Collection method: clinical testing. Allele origin: germline.

Natera, Inc.
Classification: Uncertain significance for Fumarase Deficiency. Last evaluated: 2025-01-30. Review status: no assertion criteria provided. Collection method: clinical testing. Allele origin: germline. Not counted in ClinVar's aggregate classification.

NM_000143.4(FH):c.691A>G (p.Ile231Val)

Gene: FH (fumarate hydratase; minus strand). Cytogenetic location: 1q43.
Variant type: single nucleotide variant.
Coding change: c.691A>G on transcript NM_000143.4 (MANE Select); coding-DNA position 691, A replaced by G.
Protein change: p.Ile231Val; replaces isoleucine 231 with valine.
Molecular consequence: missense variant.
Genome position (GRCh38, 1-based): chr1:241,508,650, T>C on the plus strand (A>G on the coding strand, the complement: FH is on the minus strand). VCF-style: chr1-241508650-T-C. GRCh37 (hg19) VCF-style: chr1-241671950-T-C.
Other names: short protein forms I231V.
Identifiers: ClinVar variation 938984 (VCV000938984.13), dbSNP rs1659991322, ClinGen allele CA345439231.